The following is an entry in ClinVar:

ClinVar aggregate classification (germline): Pathogenic. Review status: criteria provided, multiple submitters, no conflicts (2 of 4 stars). 3 submissions from 3 submitters: Pathogenic (3). Last evaluated 2025-11-19.

Conditions:
Hereditary cancer-predisposing syndrome. Also called: Hereditary neoplastic syndrome; Tumor predisposition; Neoplastic Syndromes, Hereditary; Hereditary Cancer Syndrome. Identifiers: Orphanet 140162, MedGen C0027672, MeSH D009386, MONDO:0015356.
Lynch syndrome 4 (LYNCH4). Also called: Hereditary non-polyposis colorectal cancer, type 4; Colorectal cancer, hereditary nonpolyposis, type 4. Identifiers: Orphanet 144, MedGen C1838333, MONDO:0013699, OMIM 614337. Disease mechanism: loss of function.

Submissions (3):

Myriad Genetics, Inc.
Classification: Pathogenic for Lynch syndrome 4. Last evaluated: 2025-11-19. Review status: criteria provided, single submitter. Criteria: Myriad Autosomal Dominant, Autosomal Recessive and X-Linked Classification Criteria (2023). Collection method: clinical testing. Allele origin: unknown.
Comment: This variant is considered pathogenic. This variant creates a frameshift predicted to result in premature protein truncation.

Ambry Genetics
Classification: Pathogenic for Hereditary cancer-predisposing syndrome. Last evaluated: 2016-01-25. Review status: criteria provided, single submitter. Criteria: Ambry Variant Classification Scheme 2023. Collection method: clinical testing. Allele origin: germline.
Comment: The c.510delT pathogenic mutation, located in coding exon 5 of the PMS2 gene, results from a deletion of one nucleotide at nucleotide position 510, causing a translational frameshift with a predicted alternate stop codon. Since frameshifts are typically deleterious in nature, this alteration is interpreted as a disease-causing mutation (ACMG Recommendations for Standards for Interpretation and Reporting of Sequence Variations. Revision 2007. Genet Med. 2008;10:294).

GeneDx
Classification: Pathogenic. Last evaluated: 2015-04-13. Review status: criteria provided, single submitter. Criteria: GeneDx Variant Classification (06012015). Collection method: clinical testing. Allele origin: germline. Affected: yes.
Comment: This deletion of one nucleotide in PMS2 is denoted c.510delT at the cDNA level and p.His170GlnfsX31 (H170QfsX31) at the protein level. The normal sequence, with the base that is deleted in brackets, is GCCA[T]AAGG. The deletion causes a frameshift, which changes a Histidine to a Glutamine at codon 170, and creates a premature stop codon at position 31 of the new reading frame. Although this variant has not, to our knowledge, been reported in the literature, it is predicted to cause loss of normal protein function through either protein truncation or nonsense-mediated mRNA decay. we consider this variant to be pathogenic.

NM_000535.7(PMS2):c.510del (p.His170fs)

Gene: PMS2 (PMS1 homolog 2, mismatch repair system component; minus strand). Cytogenetic location: 7p22.1.
Variant type: Deletion.
Coding change: c.510del on transcript NM_000535.7 (MANE Select); coding-DNA position 510, one base deleted (T; older notation c.510delT).
Protein change: p.His170fs; shifts the reading frame from histidine 170.
Molecular consequence: frameshift variant. On other transcripts: 5 prime UTR variant (2), non-coding transcript variant (1).
Genome position (GRCh38, 1-based): chr7:6,002,480, A deleted on the plus strand (T on the coding strand, the reverse complement: PMS2 is on the minus strand). VCF-style (leftmost placement, unchanged base first): chr7-6002479-TA-T. GRCh37 (hg19) VCF-style: chr7-6042110-TA-T.
Other names: c.105del, p.His35fs (NM_001322003.2, NM_001322004.2, NM_001322005.2 and 3 more transcripts); c.510del, p.His170fs (NM_001322006.2, NM_001322014.2); c.192del, p.His64fs (NM_001322007.2, NM_001322008.2); c.-375del (NM_001322011.2, NM_001322012.2); c.201del, p.His67fs (NM_001322015.2); short protein forms H64fs, H67fs, H170fs, H35fs.
Identifiers: ClinVar variation 418685 (VCV000418685.5), dbSNP rs1064793365, ClinGen allele CA16618531.